The following is an entry in ClinVar:

ClinVar aggregate classification (germline): Benign/Likely benign. Review status: criteria provided, single submitter (1 of 4 stars). 2 submissions from 1 submitter: Benign (1); Likely benign (1). Last evaluated 2018-01-12.

Conditions:
Branchiootic syndrome 3 (BOS3). Also called: BO SYNDROME 3. Identifiers: MedGen C1842124, MONDO:0012025, OMIM 608389.
Autosomal dominant nonsyndromic hearing loss 23. Identifiers: Orphanet 90635, MedGen C1854594, MONDO:0011519, OMIM 605192.

Allele frequency attached by ClinVar (database versions not stated): gnomAD exomes 0.00011; 1000 Genomes Project 30x 0.00094; gnomAD 0.00117 and 0.00127; 1000 Genomes Project 0.00120; TOPMed 0.00129.

Submissions (2):

Illumina Laboratory Services, Illumina
Classification: Benign for Branchiootic syndrome 3. Last evaluated: 2018-01-12. Review status: criteria provided, single submitter. Criteria: ICSL Variant Classification Criteria 13 December 2019. Collection method: clinical testing. Allele origin: germline.
Comment: This variant was observed in the ICSL laboratory as part of a predisposition screen in an ostensibly healthy population. It had not been previously curated by ICSL or reported in the Human Gene Mutation Database (HGMD: prior to June 1st, 2018), and was therefore a candidate for classification through an automated scoring system. Utilizing variant allele frequency, disease prevalence and penetrance estimates, and inheritance mode, an automated score was calculated to assess if this variant is too frequent to cause the disease. Based on the score and internal cut-off values, a variant classified as benign is not then subjected to further curation. The score for this variant resulted in a classification of benign for this disease.

Illumina Laboratory Services, Illumina
Classification: Likely benign for Autosomal dominant nonsyndromic hearing loss 23. Last evaluated: 2018-01-12. Review status: criteria provided, single submitter. Criteria: ICSL Variant Classification Criteria 13 December 2019. Collection method: clinical testing. Allele origin: germline.
Comment: This variant was observed in the ICSL laboratory as part of a predisposition screen in an ostensibly healthy population. It had not been previously curated by ICSL or reported in the Human Gene Mutation Database (HGMD: prior to June 1st, 2018), and was therefore a candidate for classification through an automated scoring system. Utilizing variant allele frequency, disease prevalence and penetrance estimates, and inheritance mode, an automated score was calculated to assess if this variant is too frequent to cause the disease. Based on the score and internal cut-off values, a variant classified as likely benign is not then subjected to further curation. The score for this variant resulted in a classification of likely benign for this disease.

NM_005982.4(SIX1):c.-184A>C

Gene: SIX1 (SIX homeobox 1; minus strand). Cytogenetic location: 14q23.1.
Variant type: single nucleotide variant.
Coding change: c.-184A>C on transcript NM_005982.4 (MANE Select); 184 bases upstream of the start codon, A replaced by C.
Molecular consequence: 5 prime UTR variant.
Genome position (GRCh38, 1-based): chr14:60,649,373, T>G on the plus strand (A>C on the coding strand, the complement: SIX1 is on the minus strand). VCF-style: chr14-60649373-T-G. GRCh37 (hg19) VCF-style: chr14-61116091-T-G.
Identifiers: ClinVar variation 313472 (VCV000313472.5), dbSNP rs187402923, ClinGen allele CA10635011.